The following is an entry in ClinVar:

ClinVar aggregate classification (germline): Uncertain significance (1 of 4 stars; one submission).

Conditions:
Norman-Roberts syndrome (LIS2). Also called: Lissencephaly 2 (Norman-Roberts type). Identifiers: Orphanet 89844, MedGen C0796089, MONDO:0009760, OMIM 257320.
Familial temporal lobe epilepsy 7. Identifiers: Orphanet 101046, MedGen C4225327, MONDO:0014639, OMIM 616436.

Submission:

Labcorp Genetics (formerly Invitae), Labcorp
Classification: Uncertain significance for Familial temporal lobe epilepsy 7; Norman-Roberts syndrome. Last evaluated: 2022-03-08. Review status: criteria provided, single submitter. Criteria: Invitae Variant Classification Sherloc (09022015). Collection method: clinical testing. Allele origin: germline.
Comment: In summary, the available evidence is currently insufficient to determine the role of this variant in disease. Therefore, it has been classified as a Variant of Uncertain Significance. Algorithms developed to predict the effect of missense changes on protein structure and function are either unavailable or do not agree on the potential impact of this missense change (SIFT: "Deleterious"; PolyPhen-2: "Benign"; Align-GVGD: "Class C0"). This variant has not been reported in the literature in individuals affected with RELN-related conditions. This variant is not present in population databases (gnomAD no frequency). This sequence change replaces histidine, which is basic and polar, with tyrosine, which is neutral and polar, at codon 1419 of the RELN protein (p.His1419Tyr).

NM_005045.4(RELN):c.4255C>T (p.His1419Tyr)

Gene: RELN (reelin; minus strand). Cytogenetic location: 7q22.1.
Variant type: single nucleotide variant.
Coding change: c.4255C>T on transcript NM_005045.4 (MANE Select); coding-DNA position 4255, C replaced by T.
Protein change: p.His1419Tyr; replaces histidine 1419 with tyrosine.
Molecular consequence: missense variant.
Genome position (GRCh38, 1-based): chr7:103,575,596, G>A on the plus strand (C>T on the coding strand, the complement: RELN is on the minus strand). VCF-style: chr7-103575596-G-A. GRCh37 (hg19) VCF-style: chr7-103216043-G-A.
Other names: c.4255C>T, p.His1419Tyr (NM_173054.3); short protein forms H1419Y.
Identifiers: ClinVar variation 1444462 (VCV001444462.8), dbSNP rs2117208208, ClinGen allele CA368752188.
Genomic context (GRCh38, chr7:103,575,596, plus strand): 5'-ATTTAGCCTTACCAGTATATCCCAGGTCACAGAAACACACTCCTGAAATGCAGTCCCCAT[G>A]GCCACTGCAGTAACTGGGACAAGGCTCGGATATGTACACTCCATCTAAACCAAATGGAGG-3'
Protein context (NP_005036.2, residues 1409-1429): SEPCPSYCSG[His1419Tyr]GDCISGVCFC